The following is an entry in ClinVar:

ClinVar aggregate classification (germline): Uncertain significance (1 of 4 stars; one submission).

Submission:

GeneDx
Classification: Uncertain significance. Last evaluated: 2023-07-18. Review status: criteria provided, single submitter. Criteria: GeneDx Variant Classification Process June 2021. Collection method: clinical testing. Allele origin: germline. Affected: yes.
Comment: Frameshift variant predicted to result in protein truncation as the last 42 amino acids are replaced with 1 different amino acids, although loss-of-function variants have not been reported downstream of this position in the protein; Not observed at significant frequency in large population cohorts (gnomAD); Has not been previously published as pathogenic or benign to our knowledge

NM_197968.4(ZMYM2):c.4007_4008insG (p.Asp1336fs)

Gene: ZMYM2 (zinc finger MYM-type containing 2; plus strand). Cytogenetic location: 13q12.11.
Variant type: Insertion.
Coding change: c.4007_4008insG on transcript NM_197968.4 (MANE Select); coding-DNA positions 4007 to 4008, G inserted.
Protein change: p.Asp1336fs; shifts the reading frame from aspartic acid 1336.
Molecular consequence: frameshift variant. On other transcripts: non-coding transcript variant (1).
Genome position: GRCh38 VCF-style: chr13-20085887-A-AG. GRCh37 (hg19) VCF-style: chr13-20660027-A-AG.
Other names: c.4007_4008insG, p.Asp1336fs (NM_001190964.4, NM_001190965.4, NM_001353157.2 and 4 more transcripts); c.3812_3813insG, p.Asp1271fs (NM_001353161.3); c.3746_3747insG, p.Asp1249fs (NM_001353163.2); short protein forms D1249fs, D1271fs, D1336fs.
Identifiers: ClinVar variation 3361139 (VCV003361139.1).